The following is an entry in ClinVar:

ClinVar aggregate classification (germline): Uncertain significance (1 of 4 stars; one submission).

Conditions:
Cardiovascular phenotype. Identifiers: MedGen CN230736.

gnomAD v4.1: 1 of 1,614,062 alleles (0.000062%); highest among the groups gnomAD compares: East Asian, 0.0022%; no homozygotes.

Submission:

Ambry Genetics
Classification: Uncertain significance for Cardiovascular phenotype. Last evaluated: 2024-08-16. Review status: criteria provided, single submitter. Criteria: Ambry Variant Classification Scheme 2023. Collection method: clinical testing. Allele origin: germline.
Comment: The p.G77V variant (also known as c.230G>T) is located in coding exon 3 of the LIPA gene. The glycine at codon 77 is replaced by valine, an amino acid with dissimilar properties. This change occurs in the first base pair of coding exon 3. This amino acid position is conserved. In addition, this alteration is predicted to be tolerated by in silico analysis. Based on the available evidence, the clinical significance of this variant remains unclear.

NM_000235.4(LIPA):c.230G>T (p.Gly77Val)

Gene: LIPA (lipase A, lysosomal acid type; minus strand). Cytogenetic location: 10q23.31.
Variant type: single nucleotide variant.
Coding change: c.230G>T on transcript NM_000235.4 (MANE Select); coding-DNA position 230, G replaced by T.
Protein change: p.Gly77Val; replaces glycine 77 with valine.
Molecular consequence: missense variant. On other transcripts: 5 prime UTR variant (1).
Genome position (GRCh38, 1-based): chr10:89,228,398, C>A on the plus strand (G>T on the coding strand, the complement: LIPA is on the minus strand). VCF-style: chr10-89228398-C-A. GRCh37 (hg19) VCF-style: chr10-90988155-C-A.
Other names: c.230G>T, p.Gly77Val (NM_001127605.3); c.-119G>T (NM_001288979.2); short protein forms G77V.
Identifiers: ClinVar variation 3538433 (VCV003538433.1).